The following is an entry in ClinVar:

NM_000789.4(ACE):c.2392A>G (p.Ile798Val)

Gene: ACE (angiotensin I converting enzyme; plus strand). Cytogenetic location: 17q23.3.
Variant type: single nucleotide variant.
Coding change: c.2392A>G on transcript NM_000789.4 (MANE Select); coding-DNA position 2392, A replaced by G.
Protein change: p.Ile798Val; replaces isoleucine 798 with valine.
Molecular consequence: missense variant.
Genome position (GRCh38, 1-based): chr17:63,488,734, A>G. VCF-style: chr17-63488734-A-G. GRCh37 (hg19) VCF-style: chr17-61566095-A-G.
Other names: p.Ile798Val; c.670A>G, p.Ile224Val (NM_001178057.2, NM_152830.3); short protein forms I224V, I798V.
Identifiers: ClinVar variation 708841 (VCV000708841.36), dbSNP rs117647476, ClinGen allele CA8700082.

ClinVar aggregate classification (germline): Likely benign. Review status: criteria provided, multiple submitters, no conflicts (2 of 4 stars). 5 submissions from 5 submitters: Likely benign (4). 1 of the submissions does not count toward it. Last evaluated 2026-01-21.

Conditions:
ACE-related disorder. Also called: ACE-related disorders; ACE-related condition.
Renal tubular dysgenesis. Also called: Renotubular dysgenesis. Identifiers: Orphanet 3033, MedGen C0266313, MONDO:0017609, HP:0008660.

Allele frequency attached by ClinVar (database versions not stated): 1000 Genomes Project 30x 0.00062; 1000 Genomes Project 0.00080; TOPMed 0.00192; ExAC 0.00199; gnomAD exomes 0.00213; gnomAD 0.00216 and 0.00224; ESP Exome Variant Server 0.00315.

Submissions (5):

Labcorp Genetics (formerly Invitae), Labcorp
Classification: Likely benign. Last evaluated: 2026-01-21. Review status: criteria provided, single submitter. Criteria: Invitae Variant Classification Sherloc (09022015). Collection method: clinical testing. Allele origin: germline.

Mayo Clinic Laboratories, Mayo Clinic
Classification: Likely benign. Last evaluated: 2025-09-24. Review status: criteria provided, single submitter. Criteria: ACMG Guidelines, 2015. Collection method: clinical testing. Allele origin: germline. Observed: 2 variant alleles.
Comment: BS1, BP4_moderate

CeGaT Center for Human Genetics Tuebingen
Classification: Likely benign. Last evaluated: 2024-04-01. Review status: criteria provided, single submitter. Criteria: CeGaT Center For Human Genetics Tuebingen Variant Classification Criteria Version 2. Collection method: clinical testing. Allele origin: germline. Affected: yes. Observed: 1 variant allele.
Comment: ACE: BP4

Illumina Laboratory Services, Illumina
Classification: Likely benign for Renal tubular dysgenesis of genetic origin. Last evaluated: 2018-01-13. Review status: criteria provided, single submitter. Criteria: ICSL Variant Classification Criteria 13 December 2019. Collection method: clinical testing. Allele origin: germline.
Comment: This variant was observed in the ICSL laboratory as part of a predisposition screen in an ostensibly healthy population. It had not been previously curated by ICSL or reported in the Human Gene Mutation Database (HGMD: prior to June 1st, 2018), and was therefore a candidate for classification through an automated scoring system. Utilizing variant allele frequency, disease prevalence and penetrance estimates, and inheritance mode, an automated score was calculated to assess if this variant is too frequent to cause the disease. Based on the score and internal cut-off values, a variant classified as likely benign is not then subjected to further curation. The score for this variant resulted in a classification of likely benign for this disease.

PreventionGenetics, part of Exact Sciences
Classification: Likely benign for ACE-related condition. Last evaluated: 2021-12-09. Review status: no assertion criteria provided. Collection method: clinical testing. Allele origin: germline. Not counted in ClinVar's aggregate classification.
Comment: This variant is classified as likely benign based on ACMG/AMP sequence variant interpretation guidelines (Richards et al. 2015 PMID: 25741868, with internal and published modifications).